The following is an entry in ClinVar:

ClinVar aggregate classification (germline): Uncertain significance. Review status: criteria provided, multiple submitters, no conflicts (2 of 4 stars). 3 submissions from 3 submitters: Uncertain significance (3). Last evaluated 2025-10-25.

Conditions:
Fanconi anemia complementation group P. Also called: SLX4-Related Fanconi Anemia. Identifiers: Orphanet 84, MedGen C3469542, MONDO:0013499, OMIM 613951.
Fanconi anemia (FA). Also called: Fanconi's anemia. Identifiers: Orphanet 84, MedGen C0015625, MeSH D005199, MONDO:0019391.

Allele frequency attached by ClinVar (database versions not stated): gnomAD exomes 0.00004 and 0.00002; ExAC 0.00002.

Submissions (3):

Dasa
Classification: Uncertain significance. Last evaluated: 2025-10-25. Review status: criteria provided, single submitter. Criteria: DASA Assertion Criteria. Collection method: clinical testing. Allele origin: germline.
Comment: NM_032444.4(SLX4):c.4301C>T (p.Ser1434Leu) is a missense variant that results in the substitution of serine with leucine. This variant is rare in population databases. Computational prediction algorithms are consistent with a benign effect. The currently available literature and clinical evidence are not sufficient to establish a definitive association between this variant and the reported condition. Therefore, this variant is classified as a variant of uncertain significance.

Fulgent Genetics
Classification: Uncertain significance for Fanconi anemia complementation group P. Last evaluated: 2024-03-28. Review status: criteria provided, single submitter. Criteria: ACMG Guidelines, 2015. Collection method: clinical testing. Allele origin: germline.

Labcorp Genetics (formerly Invitae), Labcorp
Classification: Uncertain significance for Fanconi anemia. Last evaluated: 2022-09-27. Review status: criteria provided, single submitter. Criteria: Invitae Variant Classification Sherloc (09022015). Collection method: clinical testing. Allele origin: germline.
Comment: This sequence change replaces serine, which is neutral and polar, with leucine, which is neutral and non-polar, at codon 1434 of the SLX4 protein (p.Ser1434Leu). This variant is present in population databases (rs776332160, gnomAD 0.006%). This missense change has been observed in individual(s) with bone marrow failure (PMID: 30995915). ClinVar contains an entry for this variant (Variation ID: 407923). Algorithms developed to predict the effect of missense changes on protein structure and function are either unavailable or do not agree on the potential impact of this missense change (SIFT: "Tolerated"; PolyPhen-2: "Probably Damaging"; Align-GVGD: "Class C0"). In summary, the available evidence is currently insufficient to determine the role of this variant in disease. Therefore, it has been classified as a Variant of Uncertain Significance.

Literature cited by the submitters: PubMed 30995915 (cited by Labcorp Genetics (formerly Invitae), Labcorp).

NM_032444.4(SLX4):c.4301C>T (p.Ser1434Leu)

Gene: SLX4 (SLX4 structure-specific endonuclease subunit; minus strand). Cytogenetic location: 16p13.3.
Variant type: single nucleotide variant.
Coding change: c.4301C>T on transcript NM_032444.4 (MANE Select); coding-DNA position 4301, C replaced by T.
Protein change: p.Ser1434Leu; replaces serine 1434 with leucine.
Molecular consequence: missense variant.
Genome position (GRCh38, 1-based): chr16:3,589,337, G>A on the plus strand (C>T on the coding strand, the complement: SLX4 is on the minus strand). VCF-style: chr16-3589337-G-A. GRCh37 (hg19) VCF-style: chr16-3639338-G-A.
Other names: c.4301C>T (LRG_503t1); short protein forms S1434L.
Identifiers: ClinVar variation 407923 (VCV000407923.10), dbSNP rs776332160, ClinGen allele CA7865691.